The following is an entry in ClinVar:

NM_017636.4(TRPM4):c.3051C>A (p.Asn1017Lys)

Gene: TRPM4 (transient receptor potential cation channel subfamily M member 4; plus strand). Cytogenetic location: 19q13.33.
Variant type: single nucleotide variant.
Coding change: c.3051C>A on transcript NM_017636.4 (MANE Select); coding-DNA position 3051, C replaced by A.
Protein change: p.Asn1017Lys; replaces asparagine 1017 with lysine.
Molecular consequence: missense variant.
Genome position (GRCh38, 1-based): chr19:49,202,061, C>A. VCF-style: chr19-49202061-C-A. GRCh37 (hg19) VCF-style: chr19-49705318-C-A.
Other names: c.2616C>A, p.Asn872Lys (NM_001195227.2); c.2706C>A, p.Asn902Lys (NM_001321281.2); c.1443C>A, p.Asn481Lys (NM_001321282.2); c.2529C>A, p.Asn843Lys (NM_001321283.2); c.1989C>A, p.Asn663Lys (NM_001321285.2); short protein forms N872K, N1017K, N843K, N902K, N481K, N663K.
Identifiers: ClinVar variation 2156991 (VCV002156991.4), dbSNP rs985101144, ClinGen allele CA309459383.
Genomic context (GRCh38, chr19:49,202,061, plus strand): 5'-CGGCTTCTGGGCACACCCTCCTGGGGCCCAGGCGGGCACCTGCGTCTCCCAGTATGCCAA[C>A]TGGCTGGTGGTGCTGCTCCTCGTCATCTTCCTGCTCGTGGCCAACATCCTGCTGGTCAAC-3'
Protein context (NP_060106.2, residues 1007-1027): QAGTCVSQYA[Asn1017Lys]WLVVLLLVIF

ClinVar aggregate classification (germline): Uncertain significance (1 of 4 stars; one submission).

Conditions:
Progressive familial heart block type IB (PFHB1B). Identifiers: Orphanet 871, MedGen C1970298, MONDO:0011474, OMIM 604559.

Allele frequency attached by ClinVar (database versions not stated): gnomAD 0.00001.
gnomAD v4.1: 3 of 1,614,006 alleles (0.00019%); highest among the groups gnomAD compares: African/African-American, 0.004%; no homozygotes.

Submission:

Labcorp Genetics (formerly Invitae), Labcorp
Classification: Uncertain significance for Progressive familial heart block type IB. Last evaluated: 2025-04-18. Review status: criteria provided, single submitter. Criteria: Invitae Variant Classification Sherloc (09022015). Collection method: clinical testing. Allele origin: germline.
Comment: This sequence change replaces asparagine, which is neutral and polar, with lysine, which is basic and polar, at codon 1017 of the TRPM4 protein (p.Asn1017Lys). This variant is not present in population databases (gnomAD no frequency). This variant has not been reported in the literature in individuals affected with TRPM4-related conditions. ClinVar contains an entry for this variant (Variation ID: 2156991). An algorithm developed to predict the effect of missense changes on protein structure and function (PolyPhen-2) suggests that this variant is likely to be disruptive. In summary, the available evidence is currently insufficient to determine the role of this variant in disease. Therefore, it has been classified as a Variant of Uncertain Significance.